The following is an entry in ClinVar:

ClinVar aggregate classification (germline): Likely pathogenic (1 of 4 stars; one submission).

Conditions:
Dilated cardiomyopathy 1G (CMD1G). Identifiers: Orphanet 154, MedGen C1858763, MONDO:0011400, OMIM 604145.
Autosomal recessive limb-girdle muscular dystrophy type 2J (LGMDR10). Also called: Limb-girdle muscular dystrophy, type 2J; MUSCULAR DYSTROPHY, LIMB-GIRDLE, AUTOSOMAL RECESSIVE 10. Identifiers: Orphanet 140922, MedGen C1837342, MONDO:0012127, OMIM 608807.

Submission:

Labcorp Genetics (formerly Invitae), Labcorp
Classification: Likely pathogenic for Dilated cardiomyopathy 1G; Autosomal recessive limb-girdle muscular dystrophy type 2J. Last evaluated: 2024-05-22. Review status: criteria provided, single submitter. Criteria: Invitae Variant Classification Sherloc (09022015). Collection method: clinical testing. Allele origin: germline.
Comment: This sequence change creates a premature translational stop signal (p.Gln6030*) in the TTN gene. While this is not anticipated to result in nonsense mediated decay, it is expected to create a truncated TTN protein. This variant is not present in population databases (gnomAD no frequency). This variant has not been reported in the literature in individuals affected with TTN-related conditions. Algorithms developed to predict the effect of sequence changes on RNA splicing suggest that this variant may disrupt the consensus splice site. This variant is located in the I band of TTN (PMID: 25589632). Truncating variants in this region have been reported in individuals affected with autosomal recessive centronuclear myopathy (PMID: 23975875, Invitae internal data). Truncating variants in this region have also been identified in individuals affected with autosomal dominant dilated cardiomyopathy and/or cardio-related conditions (PMID: 27869827, 32964742, Invitae internal data). In summary, the currently available evidence indicates that the variant is pathogenic, but additional data are needed to prove that conclusively. Therefore, this variant has been classified as Likely Pathogenic.

Literature cited by the submitters: PubMed 25589632; PubMed 23975875; PubMed 27869827; PubMed 32964742.

NM_001267550.2(TTN):c.18088C>T (p.Gln6030Ter)

Gene: TTN (titin; minus strand). Cytogenetic location: 2q31.2.
Variant type: single nucleotide variant.
Coding change: c.18088C>T on transcript NM_001267550.2 (MANE Select); coding-DNA position 18088, C replaced by T.
Protein change: p.Gln6030Ter; replaces glutamine 6030 with a stop codon.
Molecular consequence: nonsense. On other transcripts: intron variant (3).
Genome position (GRCh38, 1-based): chr2:178,730,312, G>A on the plus strand (C>T on the coding strand, the complement: TTN is on the minus strand). VCF-style: chr2-178730312-G-A. GRCh37 (hg19) VCF-style: chr2-179595039-G-A.
Other names: c.17137C>T, p.Gln5713Ter (NM_001256850.1); c.14356C>T, p.Gln4786Ter (NM_133378.4); c.13282+7770C>T (NM_003319.4); c.13858+7770C>T (NM_133437.4); c.13657+7770C>T (NM_133432.3); short protein forms Q4786*, Q5713*, Q6030*.
Identifiers: ClinVar variation 3756488 (VCV003756488.2).
Genomic context (GRCh38, chr2:178,730,312, plus strand): 5'-TGTTATCTTTAAACCACTTTATTGTCATGGGTGCAGTGCCACCCACAAGAGCCTTTAACT[G>A]TACCCTTGTGTTGGGATTGACATCTTGTGACTGTGGCTTTTCCACAAAGTAAGGGGGTTC-3'